The following is an entry in ClinVar:

ClinVar aggregate classification (germline): Uncertain significance (1 of 4 stars; one submission).

Allele frequency attached by ClinVar (database versions not stated): ExAC 0.00001; gnomAD 0.00001; gnomAD exomes 0.00001; TOPMed 0.00001.
gnomAD v4.1: 12 of 1,614,098 alleles (0.00074%); highest among the groups gnomAD compares: Admixed American, 0.0083%; no homozygotes.

Submission:

Labcorp Genetics (formerly Invitae), Labcorp
Classification: Uncertain significance. Last evaluated: 2023-10-18. Review status: criteria provided, single submitter. Criteria: Invitae Variant Classification Sherloc (09022015). Collection method: clinical testing. Allele origin: germline.
Comment: This sequence change replaces valine, which is neutral and non-polar, with isoleucine, which is neutral and non-polar, at codon 86 of the HPS4 protein (p.Val86Ile). This variant is present in population databases (rs764311091, gnomAD 0.01%). This variant has not been reported in the literature in individuals affected with HPS4-related conditions. ClinVar contains an entry for this variant (Variation ID: 1967256). An algorithm developed to predict the effect of missense changes on protein structure and function (PolyPhen-2) suggests that this variant is likely to be disruptive. In summary, the available evidence is currently insufficient to determine the role of this variant in disease. Therefore, it has been classified as a Variant of Uncertain Significance.

NM_022081.6(HPS4):c.256G>A (p.Val86Ile)

Gene: HPS4 (HPS4 biogenesis of lysosomal organelles complex 3 subunit 2; minus strand). Cytogenetic location: 22q12.1.
Variant type: single nucleotide variant.
Coding change: c.256G>A on transcript NM_022081.6 (MANE Select); coding-DNA position 256, G replaced by A.
Protein change: p.Val86Ile; replaces valine 86 with isoleucine.
Molecular consequence: missense variant. On other transcripts: non-coding transcript variant (8).
Genome position (GRCh38, 1-based): chr22:26,477,013, C>T on the plus strand (G>A on the coding strand, the complement: HPS4 is on the minus strand). VCF-style: chr22-26477013-C-T. GRCh37 (hg19) VCF-style: chr22-26872979-C-T.
Other names: c.256G>A, p.Val86Ile (NM_001349896.1, NM_001349898.2, NM_001349899.2 and 7 more transcripts); c.241G>A, p.Val81Ile (NM_152841.2); short protein forms V86I, V81I.
Identifiers: ClinVar variation 1967256 (VCV001967256.5), dbSNP rs764311091, ClinGen allele CA10163785.